The following is an entry in ClinVar:

NM_000350.3(ABCA4):c.5333T>A (p.Met1778Lys)

Gene: ABCA4 (ATP binding cassette subfamily A member 4; minus strand). Cytogenetic location: 1p22.1.
Variant type: single nucleotide variant.
Coding change: c.5333T>A on transcript NM_000350.3 (MANE Select); coding-DNA position 5333, T replaced by A.
Protein change: p.Met1778Lys; replaces methionine 1778 with lysine.
Molecular consequence: missense variant.
Genome position (GRCh38, 1-based): chr1:94,014,670, A>T on the plus strand (T>A on the coding strand, the complement: ABCA4 is on the minus strand). VCF-style: chr1-94014670-A-T. GRCh37 (hg19) VCF-style: chr1-94480226-A-T.
Other names: c.5111T>A, p.Met1704Lys (NM_001425324.1); short protein forms M1778K, M1704K.
Identifiers: ClinVar variation 265997 (VCV000265997.9), dbSNP rs748706582, ClinGen allele CA10588919.

ClinVar aggregate classification (germline): Conflicting classifications of pathogenicity. Review status: criteria provided, conflicting classifications (1 of 4 stars). 4 submissions from 4 submitters: Likely pathogenic (1); Uncertain significance (1). 2 of the submissions do not count toward it. Last evaluated 2024-05-21.

Conditions:
Cone-rod dystrophy 3 (CORD3). Identifiers: Orphanet 1872, MedGen C1858806, MONDO:0011395, OMIM 604116.
Severe early-childhood-onset retinal dystrophy (STGD1). Also called: Stargardt macular dystrophy; Juvenile onset macular degeneration; Stargardt disease 1; MACULAR DYSTROPHY WITH FLECKS, TYPE 1; STGD. Identifiers: Orphanet 364055, Orphanet 827, MedGen C1855465, MeSH D000080362, MONDO:0009549, OMIM 248200.

Submissions (4):

Blueprint Genetics
Classification: Uncertain significance. Last evaluated: 2024-05-21. Review status: criteria provided, single submitter. Criteria: ACMG Guidelines, 2015. Collection method: clinical testing. Allele origin: germline.

Labcorp Genetics (formerly Invitae), Labcorp
Classification: Likely pathogenic. Last evaluated: 2021-08-05. Review status: criteria provided, single submitter. Criteria: Invitae Variant Classification Sherloc (09022015). Collection method: clinical testing. Allele origin: germline.
Comment: ClinVar contains an entry for this variant (Variation ID: 265997). This variant has not been reported in the literature in individuals affected with ABCA4-related conditions. This variant is not present in population databases (ExAC no frequency). This sequence change replaces methionine with lysine at codon 1778 of the ABCA4 protein (p.Met1778Lys). The methionine residue is highly conserved and there is a moderate physicochemical difference between methionine and lysine. In summary, the currently available evidence indicates that the variant is pathogenic, but additional data are needed to prove that conclusively. Therefore, this variant has been classified as Likely Pathogenic. This variant disrupts the p.Met1778 amino acid residue in ABCA4. Other variant(s) that disrupt this residue have been observed in individuals with ABCA4-related conditions (PMID: 30060493, 32141364; Invitae), which suggests that this may be a clinically significant amino acid residue. Advanced modeling of protein sequence and biophysical properties (such as structural, functional, and spatial information, amino acid conservation, physicochemical variation, residue mobility, and thermodynamic stability) performed at Invitae indicates that this missense variant is expected to disrupt ABCA4 protein function.

Bioscientia Institut fuer Medizinische Diagnostik GmbH, Sonic Healthcare
Classification: Likely pathogenic for Cone-rod dystrophy 3. Review status: no assertion criteria provided. Collection method: clinical testing. Allele origin: germline. Affected: yes. Not counted in ClinVar's aggregate classification.

Ophthalmo-Genetics Lab, Instituto de Oftalmologia Conde de Valenciana
Classification: Pathogenic for Severe early-childhood-onset retinal dystrophy. Review status: no assertion criteria provided. Collection method: research. Allele origin: germline. Inheritance: Autosomal recessive inheritance. Affected: yes. Not counted in ClinVar's aggregate classification.

Literature cited by the submitters: PubMed 30060493 (cited by Labcorp Genetics (formerly Invitae), Labcorp and Ophthalmo-Genetics Lab, Instituto de Oftalmologia Conde de Valenciana); PubMed 32141364 (cited by Labcorp Genetics (formerly Invitae), Labcorp).